The following is an entry in ClinVar:

ClinVar aggregate classification (germline): Uncertain significance (1 of 4 stars; one submission).

Submission:

CeGaT Center for Human Genetics Tuebingen
Classification: Uncertain significance. Last evaluated: 2024-09-01. Review status: criteria provided, single submitter. Criteria: CeGaT Center For Human Genetics Tuebingen Variant Classification Criteria Version 2. Collection method: clinical testing. Allele origin: germline. Affected: yes. Observed: 1 variant allele.
Comment: NHEJ1: PM2, BP4

NM_024782.3(NHEJ1):c.46C>G (p.Leu16Val)

Gene: NHEJ1 (non-homologous end joining factor 1; minus strand). Cytogenetic location: 2q35.
Variant type: single nucleotide variant.
Coding change: c.46C>G on transcript NM_024782.3 (MANE Select); coding-DNA position 46, C replaced by G.
Protein change: p.Leu16Val; replaces leucine 16 with valine.
Molecular consequence: missense variant. On other transcripts: non-coding transcript variant (1).
Genome position (GRCh38, 1-based): chr2:219,158,317, G>C on the plus strand (C>G on the coding strand, the complement: NHEJ1 is on the minus strand). VCF-style: chr2-219158317-G-C. GRCh37 (hg19) VCF-style: chr2-220023039-G-C.
Other names: c.46C>G, p.Leu16Val (NM_001377499.1, NM_001377498.1); short protein forms L16V.
Identifiers: ClinVar variation 3389611 (VCV003389611.14).
Genomic context (GRCh38, chr2:219,158,317, plus strand): 5'-AGGCATAGCCCTGCTTGGTGATAAAAACCTTGGCCAAGAGGGAGTTCTCTGCAAGCTGTA[G>C]CCACGCCCATGGCTGCATCAACAGGCCTTGCTCCAGTTCTTCCATCTGCAAAAAAGTCCT-3'
Protein context (NP_079058.1, residues 6-26): QGLLMQPWAW[Leu16Val]QLAENSLLAK